The following is an entry in ClinVar:

NM_030962.4(SBF2):c.3979-4G>T

Gene: SBF2 (SET binding factor 2; minus strand). Cytogenetic location: 11p15.4.
Variant type: single nucleotide variant.
Coding change: c.3979-4G>T on transcript NM_030962.4 (MANE Select); 4 bases into the intron before coding-DNA position 3979, G replaced by T.
Molecular consequence: intron variant.
Genome position (GRCh38, 1-based): chr11:9,812,712, C>A on the plus strand (G>T on the coding strand, the complement: SBF2 is on the minus strand). VCF-style: chr11-9812712-C-A. GRCh37 (hg19) VCF-style: chr11-9834259-C-A.
Other names: c.3850-4G>T (NM_001386342.1); c.4075-4G>T (NM_001386339.1).
Identifiers: ClinVar variation 385062 (VCV000385062.6), dbSNP rs375742620, ClinGen allele CA5881083.

ClinVar aggregate classification (germline): Likely benign. Review status: criteria provided, multiple submitters, no conflicts (2 of 4 stars). 2 submissions from 2 submitters: Likely benign (2). Last evaluated 2025-09-29.

Conditions:
Charcot-Marie-Tooth disease type 4. Also called: Charcot-Marie-Tooth disease, type IV; Charcot-Marie-Tooth, Type 4. Identifiers: Orphanet 64749, MedGen C4082197, MONDO:0018995.

Allele frequency attached by ClinVar (database versions not stated): TOPMed 0.00001.
gnomAD v4.1: 8 of 1,613,728 alleles (0.0005%); highest among the groups gnomAD compares: Non-Finnish European, 0.00068%; no homozygotes.

Submissions (2):

Labcorp Genetics (formerly Invitae), Labcorp
Classification: Likely benign for Charcot-Marie-Tooth disease type 4. Last evaluated: 2025-09-29. Review status: criteria provided, single submitter. Criteria: Invitae Variant Classification Sherloc (09022015). Collection method: clinical testing. Allele origin: germline.

GeneDx
Classification: Likely benign. Last evaluated: 2016-04-01. Review status: criteria provided, single submitter. Criteria: GeneDx Variant Classification (06012015). Collection method: clinical testing. Allele origin: germline. Affected: yes.
Comment: This variant is considered likely benign or benign based on one or more of the following criteria: it is a conservative change, it occurs at a poorly conserved position in the protein, it is predicted to be benign by multiple in silico algorithms, and/or has population frequency not consistent with disease.